The following is an entry in ClinVar:

ClinVar aggregate classification (germline): Uncertain significance (1 of 4 stars; one submission).

Conditions:
Early-infantile DEE. Also called: Early infantile epileptic encephalopathy; Early infantile epileptic encephalopathy with suppression bursts; Ohtahara syndrome. Identifiers: Orphanet 1934, MedGen C0393706, MONDO:0800491.

Allele frequency attached by ClinVar (database versions not stated): gnomAD exomes below 0.00001 and 0.00001.
gnomAD v4.1: 3 of 1,552,198 alleles (0.00019%); highest among the groups gnomAD compares: Non-Finnish European, 0.00026%; no homozygotes.

Submission:

Labcorp Genetics (formerly Invitae), Labcorp
Classification: Uncertain significance for Early-infantile DEE. Last evaluated: 2021-10-07. Review status: criteria provided, single submitter. Criteria: Invitae Variant Classification Sherloc (09022015). Collection method: clinical testing. Allele origin: germline.
Comment: This sequence change replaces isoleucine with valine at codon 455 of the CACNA2D2 protein (p.Ile455Val). The isoleucine residue is moderately conserved and there is a small physicochemical difference between isoleucine and valine. This variant is not present in population databases (ExAC no frequency). This variant has not been reported in the literature in individuals affected with CACNA2D2-related conditions. Algorithms developed to predict the effect of missense changes on protein structure and function are either unavailable or do not agree on the potential impact of this missense change (SIFT: "Deleterious"; PolyPhen-2: "Benign"; Align-GVGD: "Class C0"). In summary, the available evidence is currently insufficient to determine the role of this variant in disease. Therefore, it has been classified as a Variant of Uncertain Significance.

NM_006030.4(CACNA2D2):c.1363A>G (p.Ile455Val)

Gene: CACNA2D2 (calcium voltage-gated channel auxiliary subunit alpha2delta 2; minus strand). Cytogenetic location: 3p21.31.
Variant type: single nucleotide variant.
Coding change: c.1363A>G on transcript NM_006030.4 (MANE Select); coding-DNA position 1363, A replaced by G.
Protein change: p.Ile455Val; replaces isoleucine 455 with valine.
Molecular consequence: missense variant.
Genome position (GRCh38, 1-based): chr3:50,378,310, T>C on the plus strand (A>G on the coding strand, the complement: CACNA2D2 is on the minus strand). VCF-style: chr3-50378310-T-C. GRCh37 (hg19) VCF-style: chr3-50415741-T-C.
Other names: c.1363A>G, p.Ile455Val (NM_001005505.3, NM_001174051.3); c.1156A>G, p.Ile386Val (NM_001291101.1); short protein forms I455V, I386V.
Identifiers: ClinVar variation 1523343 (VCV001523343.7), dbSNP rs1330620405, ClinGen allele CA352930407.